The following is an entry in ClinVar:

NM_018249.6(CDK5RAP2):c.1106A>G (p.Tyr369Cys)

Gene: CDK5RAP2 (CDK5 regulatory subunit associated protein 2; minus strand). Cytogenetic location: 9q33.2.
Variant type: single nucleotide variant.
Coding change: c.1106A>G on transcript NM_018249.6 (MANE Select); coding-DNA position 1106, A replaced by G.
Protein change: p.Tyr369Cys; replaces tyrosine 369 with cysteine.
Molecular consequence: missense variant. On other transcripts: non-coding transcript variant (5).
Genome position (GRCh38, 1-based): chr9:120,518,632, T>C on the plus strand (A>G on the coding strand, the complement: CDK5RAP2 is on the minus strand). VCF-style: chr9-120518632-T-C. GRCh37 (hg19) VCF-style: chr9-123280910-T-C.
Other names: c.1106A>G, p.Tyr369Cys (NM_001011649.3, NM_001272039.2, NM_001410992.1 and 2 more transcripts); short protein forms Y369C.
Identifiers: ClinVar variation 2142942 (VCV002142942.3), dbSNP rs960108683, ClinGen allele CA199281886.

ClinVar aggregate classification (germline): Uncertain significance (1 of 4 stars; one submission).

Allele frequency attached by ClinVar (database versions not stated): gnomAD exomes below 0.00001; gnomAD 0.00001.
gnomAD v4.1: 6 of 1,613,456 alleles (0.00037%); highest among the groups gnomAD compares: African/African-American, 0.0013%; no homozygotes.

Submission:

Labcorp Genetics (formerly Invitae), Labcorp
Classification: Uncertain significance. Last evaluated: 2022-04-19. Review status: criteria provided, single submitter. Criteria: Invitae Variant Classification Sherloc (09022015). Collection method: clinical testing. Allele origin: germline.
Comment: In summary, the available evidence is currently insufficient to determine the role of this variant in disease. Therefore, it has been classified as a Variant of Uncertain Significance. Algorithms developed to predict the effect of sequence changes on RNA splicing suggest that this variant may create or strengthen a splice site. Algorithms developed to predict the effect of missense changes on protein structure and function output the following: SIFT: "Tolerated"; PolyPhen-2: "Possibly Damaging"; Align-GVGD: "Class C0". The cysteine amino acid residue is found in multiple mammalian species, which suggests that this missense change does not adversely affect protein function. This variant has not been reported in the literature in individuals affected with CDK5RAP2-related conditions. This variant is present in population databases (no rsID available, gnomAD 0.002%). This sequence change replaces tyrosine, which is neutral and polar, with cysteine, which is neutral and slightly polar, at codon 369 of the CDK5RAP2 protein (p.Tyr369Cys).